The following is an entry in ClinVar:

ClinVar aggregate classification (germline): Uncertain significance. Review status: criteria provided, multiple submitters, no conflicts (2 of 4 stars). 2 submissions from 2 submitters: Uncertain significance (2). Last evaluated 2025-07-25.

Conditions:
DCTN1-related disorder. Also called: DCTN1-related condition.
Neuronopathy, distal hereditary motor, type 7B. Also called: Distal Hereditary Motor Neuronopathy Type 7B (dHMN7B); HMN VIIB; LOWER MOTOR NEURON DISEASE, DYNACTIN TYPE; NEURONOPATHY, DISTAL HEREDITARY MOTOR, AUTOSOMAL DOMINANT 14; NEURONOPATHY, DISTAL HEREDITARY MOTOR, HARDING TYPE VIIB; NEUROPATHY, DISTAL HEREDITARY MOTOR, HARDING TYPE VIIB. Identifiers: Orphanet 139589, MedGen C1843315, MONDO:0011879, OMIM 607641.
Perry syndrome. Also called: PARKINSONISM WITH ALVEOLAR HYPOVENTILATION AND MENTAL DEPRESSION. Identifiers: Orphanet 178509, MedGen C1868594, MONDO:0008201, OMIM 168605.
Amyotrophic lateral sclerosis type 1 (ALS1). Also called: AMYOTROPHIC LATERAL SCLEROSIS 1, FAMILIAL. Identifiers: Orphanet 803, MedGen C1862939, MONDO:0007103, OMIM 105400.

gnomAD v4.1: 8 of 1,613,894 alleles (0.0005%); highest among the groups gnomAD compares: Non-Finnish European, 0.00068%; no homozygotes.

Submissions (2):

PreventionGenetics, part of Exact Sciences
Classification: Uncertain significance for DCTN1-related condition. Last evaluated: 2025-07-25. Review status: criteria provided, single submitter. Criteria: ACMG Guidelines, 2015. Collection method: clinical testing. Allele origin: germline.
Comment: The DCTN1 c.442C>G variant is predicted to result in the amino acid substitution p.Arg148Gly. To our knowledge, this variant has not been reported in the literature. This variant is reported in 0.00088% of alleles in individuals of European (Non-Finnish) descent in gnomAD. At this time, the clinical significance of this variant is uncertain due to the absence of conclusive functional and genetic evidence.

Labcorp Genetics (formerly Invitae), Labcorp
Classification: Uncertain significance for Amyotrophic lateral sclerosis type 1; Neuronopathy, distal hereditary motor, type 7B; Perry syndrome. Last evaluated: 2024-03-18. Review status: criteria provided, single submitter. Criteria: Invitae Variant Classification Sherloc (09022015). Collection method: clinical testing. Allele origin: germline.
Comment: This sequence change replaces arginine, which is basic and polar, with glycine, which is neutral and non-polar, at codon 148 of the DCTN1 protein (p.Arg148Gly). This variant is present in population databases (no rsID available, gnomAD 0.0009%). This variant has not been reported in the literature in individuals affected with DCTN1-related conditions. ClinVar contains an entry for this variant (Variation ID: 1439644). An algorithm developed to predict the effect of missense changes on protein structure and function (PolyPhen-2) suggests that this variant is likely to be tolerated. In summary, the available evidence is currently insufficient to determine the role of this variant in disease. Therefore, it has been classified as a Variant of Uncertain Significance.

NM_004082.5(DCTN1):c.442C>G (p.Arg148Gly)

Gene: DCTN1 (dynactin subunit 1; minus strand). Cytogenetic location: 2p13.1.
Variant type: single nucleotide variant.
Coding change: c.442C>G on transcript NM_004082.5 (MANE Select); coding-DNA position 442, C replaced by G.
Protein change: p.Arg148Gly; replaces arginine 148 with glycine.
Molecular consequence: missense variant. On other transcripts: intron variant (2).
Genome position (GRCh38, 1-based): chr2:74,372,939, G>C on the plus strand (C>G on the coding strand, the complement: DCTN1 is on the minus strand). VCF-style: chr2-74372939-G-C. GRCh37 (hg19) VCF-style: chr2-74600066-G-C.
Other names: c.442C>G (NM_004082.4); c.40C>G, p.Arg14Gly (NM_001135041.3, NM_023019.4); c.421C>G, p.Arg141Gly (NM_001190837.2); c.391C>G, p.Arg131Gly (NM_001378991.1); c.373C>G, p.Arg125Gly (NM_001378992.1); c.343-1211C>G (NM_001190836.2); c.394-1211C>G (NM_001135040.3); short protein forms R125G, R141G, R148G, R131G, R14G.
Identifiers: ClinVar variation 1439644 (VCV001439644.7), dbSNP rs148810193, ClinGen allele CA347369550.